The following is an entry in ClinVar:

ClinVar aggregate classification (germline): Uncertain significance (1 of 4 stars; one submission).

Submission:

Labcorp Genetics (formerly Invitae), Labcorp
Classification: Uncertain significance. Last evaluated: 2024-03-26. Review status: criteria provided, single submitter. Criteria: Invitae Variant Classification Sherloc (09022015). Collection method: clinical testing. Allele origin: germline.
Comment: This sequence change replaces alanine, which is neutral and non-polar, with proline, which is neutral and non-polar, at codon 99 of the MESP1 protein (p.Ala99Pro). This variant is not present in population databases (gnomAD no frequency). This variant has not been reported in the literature in individuals affected with MESP1-related conditions. An algorithm developed to predict the effect of missense changes on protein structure and function (PolyPhen-2) suggests that this variant is likely to be disruptive. In summary, the available evidence is currently insufficient to determine the role of this variant in disease. Therefore, it has been classified as a Variant of Uncertain Significance.

NM_018670.4(MESP1):c.295G>C (p.Ala99Pro)

Genes: MESP1 (mesoderm posterior bHLH transcription factor 1; minus strand), LOC130057889 (ATAC-STARR-seq lymphoblastoid silent region 6804; plus strand). Cytogenetic location: 15q26.1.
Variant type: single nucleotide variant.
Coding change: c.295G>C on transcript NM_018670.4 (MANE Select); coding-DNA position 295, G replaced by C.
Protein change: p.Ala99Pro; replaces alanine 99 with proline.
Molecular consequence: missense variant.
Genome position (GRCh38, 1-based): chr15:89,750,937, C>G on the plus strand (G>C on the coding strand, the complement: MESP1 is on the minus strand). VCF-style: chr15-89750937-C-G. GRCh37 (hg19) VCF-style: chr15-90294168-C-G.
Other names: short protein forms A99P.
Identifiers: ClinVar variation 3702417 (VCV003702417.2).
Genomic context (GRCh38, chr15:89,750,937, plus strand): 5'-TCTGGCCCGCGGGCGCCACGGACGGCGGTAGAAAGCGGCGCAGCTCGTGCAGGGCGCGGG[C>G]CAGCGTGCGCATGCGCAGTTTCTCCCGCTCACTGGCGCTCTGCCTCTGCCCGCTGCCCAG-3'
Protein context (NP_061140.1, residues 89-109): EREKLRMRTL[Ala99Pro]RALHELRRFL